The following is an entry in ClinVar:

NM_001042492.3(NF1):c.8499T>G (p.Asn2833Lys)

Gene: NF1 (neurofibromin 1; plus strand). Cytogenetic location: 17q11.2.
Variant type: single nucleotide variant.
Coding change: c.8499T>G on transcript NM_001042492.3 (MANE Select); coding-DNA position 8499, T replaced by G.
Protein change: p.Asn2833Lys; replaces asparagine 2833 with lysine.
Molecular consequence: missense variant.
Genome position (GRCh38, 1-based): chr17:31,374,134, T>G. VCF-style: chr17-31374134-T-G. GRCh37 (hg19) VCF-style: chr17-29701152-T-G.
Other names: c.8436T>G, p.Asn2812Lys (NM_000267.4); short protein forms N2812K, N2833K.
Identifiers: ClinVar variation 1497691 (VCV001497691.9), dbSNP rs142636150, ClinGen allele CA399206108.

ClinVar aggregate classification (germline): Uncertain significance. Review status: criteria provided, multiple submitters, no conflicts (2 of 4 stars). 2 submissions from 2 submitters: Uncertain significance (2). Last evaluated 2024-09-29.

Conditions:
Hereditary cancer-predisposing syndrome. Also called: Tumor predisposition; Hereditary neoplastic syndrome; Neoplastic Syndromes, Hereditary; Hereditary Cancer Syndrome. Identifiers: Orphanet 140162, MedGen C0027672, MeSH D009386, MONDO:0015356.
Cardiovascular phenotype. Identifiers: MedGen CN230736.
Neurofibromatosis, type 1 (NF1). Also called: VON RECKLINGHAUSEN DISEASE; NEUROFIBROMATOSIS, TYPE I, SOMATIC; Peripheral type neurofibromatosis; Neurofibromatosis, type I. Identifiers: Orphanet 636, MedGen C0027831, MONDO:0018975, OMIM 162200. Disease mechanism: loss of function.

Submissions (2):

Labcorp Genetics (formerly Invitae), Labcorp
Classification: Uncertain significance for Neurofibromatosis, type 1. Last evaluated: 2024-09-29. Review status: criteria provided, single submitter. Criteria: Invitae Variant Classification Sherloc (09022015). Collection method: clinical testing. Allele origin: germline.
Comment: This sequence change replaces asparagine, which is neutral and polar, with lysine, which is basic and polar, at codon 2812 of the NF1 protein (p.Asn2812Lys). This variant is not present in population databases (gnomAD no frequency). This variant has not been reported in the literature in individuals affected with NF1-related conditions. ClinVar contains an entry for this variant (Variation ID: 1497691). Invitae Evidence Modeling of protein sequence and biophysical properties (such as structural, functional, and spatial information, amino acid conservation, physicochemical variation, residue mobility, and thermodynamic stability) indicates that this missense variant is not expected to disrupt NF1 protein function with a negative predictive value of 95%. Algorithms developed to predict the effect of sequence changes on RNA splicing suggest that this variant may create or strengthen a splice site. In summary, the available evidence is currently insufficient to determine the role of this variant in disease. Therefore, it has been classified as a Variant of Uncertain Significance.

Ambry Genetics
Classification: Uncertain significance for Cardiovascular phenotype; Hereditary cancer-predisposing syndrome. Last evaluated: 2023-01-13. Review status: criteria provided, single submitter. Criteria: Ambry Variant Classification Scheme 2023. Collection method: clinical testing. Allele origin: germline.
Comment: The p.N2812K variant (also known as c.8436T>G), located in coding exon 57 of the NF1 gene, results from a T to G substitution at nucleotide position 8436. The asparagine at codon 2812 is replaced by lysine, an amino acid with similar properties. This amino acid position is not well conserved in available vertebrate species. In addition, this alteration is predicted to be tolerated by in silico analysis. Since supporting evidence is limited at this time, the clinical significance of this alteration remains unclear.